The following is an entry in ClinVar:

NM_000503.6(EYA1):c.*1222A>C

Gene: EYA1 (EYA transcriptional coactivator and phosphatase 1; minus strand). Cytogenetic location: 8q13.3.
Variant type: single nucleotide variant.
Coding change: c.*1222A>C on transcript NM_000503.6 (MANE Select); 1222 bases downstream of the stop codon, A replaced by C.
Molecular consequence: 3 prime UTR variant.
Genome position (GRCh38, 1-based): chr8:71,198,118, T>G on the plus strand (A>C on the coding strand, the complement: EYA1 is on the minus strand). VCF-style: chr8-71198118-T-G. GRCh37 (hg19) VCF-style: chr8-72110353-T-G.
Other names: c.*1222A>C (NM_001288574.2, NM_001288575.2, NM_001370333.1 and 5 more transcripts).
Identifiers: ClinVar variation 363632 (VCV000363632.5), dbSNP rs117394899, ClinGen allele CA10628273.

ClinVar aggregate classification (germline): Benign. Review status: criteria provided, single submitter (1 of 4 stars). 2 submissions from 1 submitter: Benign (2). Last evaluated 2018-01-13.

Conditions:
Branchiootic syndrome 1 (BOS1). Also called: BO SYNDROME 1; BRANCHIOOTIC DYSPLASIA. Identifiers: MedGen C1865143, MONDO:0011258, OMIM 602588.
Otofaciocervical syndrome 1 (OTFCS). Identifiers: MedGen C3714941, MONDO:0024532, OMIM 166780.

Allele frequency attached by ClinVar (database versions not stated): 1000 Genomes Project 0.00739; gnomAD exomes 0.01145; TOPMed 0.01356; gnomAD 0.01396 and 0.01398.
gnomAD v4.1: 2,113 of 151,630 alleles (1.4%); highest among the groups gnomAD compares: Middle Eastern, 3.7%; 33 homozygotes.

Submissions (2):

Illumina Laboratory Services, Illumina
Classification: Benign for Otofaciocervical syndrome 1. Last evaluated: 2018-01-13. Review status: criteria provided, single submitter. Criteria: ICSL Variant Classification Criteria 13 December 2019. Collection method: clinical testing. Allele origin: germline.
Comment: This variant was observed in the ICSL laboratory as part of a predisposition screen in an ostensibly healthy population. It had not been previously curated by ICSL or reported in the Human Gene Mutation Database (HGMD: prior to June 1st, 2018), and was therefore a candidate for classification through an automated scoring system. Utilizing variant allele frequency, disease prevalence and penetrance estimates, and inheritance mode, an automated score was calculated to assess if this variant is too frequent to cause the disease. Based on the score and internal cut-off values, a variant classified as benign is not then subjected to further curation. The score for this variant resulted in a classification of benign for this disease.

Illumina Laboratory Services, Illumina
Classification: Benign for Branchiootic syndrome. Last evaluated: 2018-01-13. Review status: criteria provided, single submitter. Criteria: ICSL Variant Classification Criteria 13 December 2019. Collection method: clinical testing. Allele origin: germline.
Comment: the same text as in the submission from Illumina Laboratory Services, Illumina above.